The following is an entry in ClinVar:

ClinVar aggregate classification (germline): Pathogenic (1 of 4 stars; one submission).

Conditions:
Sandhoff disease. Also called: Beta-hexosaminidase-beta-subunit deficiency; GM2 gangliosidosis, type 2; Total hexosaminidase deficiency; Sandhoff-Jatzkewitz-Pilz disease; GM2-GANGLIOSIDOSIS, TYPE II; HEXOSAMINIDASES A AND B DEFICIENCY. Identifiers: Orphanet 796, MedGen C0036161, MONDO:0010006, OMIM 268800.

Allele frequency attached by ClinVar (database versions not stated): gnomAD exomes below 0.00001.

Submission:

Labcorp Genetics (formerly Invitae), Labcorp
Classification: Pathogenic for Sandhoff disease. Last evaluated: 2022-07-25. Review status: criteria provided, single submitter. Criteria: Invitae Variant Classification Sherloc (09022015). Collection method: clinical testing. Allele origin: germline.
Comment: This sequence change creates a premature translational stop signal (p.Glu422Glyfs*10) in the HEXB gene. It is expected to result in an absent or disrupted protein product. Loss-of-function variants in HEXB are known to be pathogenic (PMID: 7550345, 18758829). For these reasons, this variant has been classified as Pathogenic. ClinVar contains an entry for this variant (Variation ID: 1379520). This variant has not been reported in the literature in individuals affected with HEXB-related conditions. This variant is not present in population databases (gnomAD no frequency).

Literature cited by the submitters: PubMed 7550345; PubMed 18758829.

NM_000521.4(HEXB):c.1264dup (p.Glu422fs)

Gene: HEXB (hexosaminidase subunit beta; plus strand). Cytogenetic location: 5q13.3.
Variant type: Duplication.
Coding change: c.1264dup on transcript NM_000521.4 (MANE Select); coding-DNA position 1264, one base duplicated (G; older notation c.1264dupG).
Protein change: p.Glu422fs; shifts the reading frame from glutamic acid 422.
Molecular consequence: frameshift variant.
Genome position (GRCh38, 1-based): chr5:74,718,818, G duplicated. VCF-style (leftmost placement, unchanged base first): chr5-74718817-T-TG. GRCh37 (hg19) VCF-style: chr5-74014642-T-TG.
Other names: c.589dup, p.Glu197fs (NM_001292004.2); short protein forms E197fs, E422fs.
Identifiers: ClinVar variation 1379520 (VCV001379520.6), dbSNP rs2112180571, ClinGen allele CA2573139797.
Genomic context (GRCh38, chr5:74,718,817, plus strand): 5'-TAGGCCTAATAATATGTATTGCAATTTGTAACGTTAATAGCTTGCGCCGGGCACAATAGT[T>TG]GAAGTATGGAAAGACAGCGCATATCCTGAGGAACTCAGTAGAGTCACAGCATCTGGCTTC-3'